The following is an entry in ClinVar:

NM_024312.5(GNPTAB):c.1124G>A (p.Arg375Gln)

Gene: GNPTAB (N-acetylglucosamine-1-phosphate transferase subunits alpha and beta; minus strand). Cytogenetic location: 12q23.2.
Variant type: single nucleotide variant.
Coding change: c.1124G>A on transcript NM_024312.5 (MANE Select); coding-DNA position 1124, G replaced by A.
Protein change: p.Arg375Gln; replaces arginine 375 with glutamine.
Molecular consequence: missense variant.
Genome position (GRCh38, 1-based): chr12:101,770,181, C>T on the plus strand (G>A on the coding strand, the complement: GNPTAB is on the minus strand). VCF-style: chr12-101770181-C-T. GRCh37 (hg19) VCF-style: chr12-102163959-C-T.
Other names: short protein forms R375Q.
Identifiers: ClinVar variation 660594 (VCV000660594.6), dbSNP rs745438711, ClinGen allele CA6746693.

ClinVar aggregate classification (germline): Conflicting classifications of pathogenicity. Review status: criteria provided, conflicting classifications (1 of 4 stars). 4 submissions from 4 submitters: Uncertain significance (2); Likely benign (1). 1 of the submissions does not count toward it. Last evaluated 2024-11-22.

Conditions:
Mucolipidosis type II. Also called: ML II ALPHA/BETA; Mucolipidosis 2; ML 2; Inclusion cell disease; Leroy Disease; N-acetylglucosamine 1phosphotransferase deficiency. Identifiers: Orphanet 576, MedGen C2673377, MONDO:0009650, OMIM 252500.
Pseudo-Hurler polydystrophy. Also called: ML III; ML III ALPHA/BETA; Type III Mucolipidosis; Mucolipidosis III Alpha/Beta; ML IIIA; MUCOLIPIDOSIS IIIA. Identifiers: Orphanet 423461, Orphanet 577, MedGen C0033788, MONDO:0018931, OMIM 252600.

Allele frequency attached by ClinVar (database versions not stated): gnomAD 0.00003; gnomAD exomes 0.00003; TOPMed 0.00005.
gnomAD v4.1: 53 of 1,613,792 alleles (0.0033%); highest among the groups gnomAD compares: Middle Eastern, 0.049%; no homozygotes.

Submissions (4):

Blueprint Genetics
Classification: Likely benign. Last evaluated: 2024-11-22. Review status: criteria provided, single submitter. Criteria: ACMG Guidelines, 2015. Collection method: clinical testing. Allele origin: germline.

Labcorp Genetics (formerly Invitae), Labcorp
Classification: Uncertain significance for Pseudo-Hurler polydystrophy; Mucolipidosis type II. Last evaluated: 2024-01-22. Review status: criteria provided, single submitter. Criteria: Invitae Variant Classification Sherloc (09022015). Collection method: clinical testing. Allele origin: germline.
Comment: This sequence change replaces arginine, which is basic and polar, with glutamine, which is neutral and polar, at codon 375 of the GNPTAB protein (p.Arg375Gln). This variant is present in population databases (rs745438711, gnomAD 0.004%). This variant has not been reported in the literature in individuals affected with GNPTAB-related conditions. ClinVar contains an entry for this variant (Variation ID: 660594). Advanced modeling of protein sequence and biophysical properties (such as structural, functional, and spatial information, amino acid conservation, physicochemical variation, residue mobility, and thermodynamic stability) performed at Invitae indicates that this missense variant is not expected to disrupt GNPTAB protein function with a negative predictive value of 80%. In summary, the available evidence is currently insufficient to determine the role of this variant in disease. Therefore, it has been classified as a Variant of Uncertain Significance.

Fulgent Genetics
Classification: Uncertain significance for Mucolipidosis type II; Pseudo-Hurler polydystrophy. Last evaluated: 2022-03-24. Review status: criteria provided, single submitter. Criteria: ACMG Guidelines, 2015. Collection method: clinical testing. Allele origin: unknown.

Natera, Inc.
Classification: Uncertain significance for Mucolipidosis type II. Last evaluated: 2020-02-21. Review status: no assertion criteria provided. Collection method: clinical testing. Allele origin: germline. Not counted in ClinVar's aggregate classification.